The following is an entry in ClinVar:

NM_207361.6(FREM2):c.6333C>T (p.Gly2111=)

Gene: FREM2 (FRAS1 related extracellular matrix 2; plus strand). Cytogenetic location: 13q13.3.
Variant type: single nucleotide variant.
Coding change: c.6333C>T on transcript NM_207361.6 (MANE Select); coding-DNA position 6333, C replaced by T.
Protein change: p.Gly2111=; no amino-acid change (glycine 2111 retained).
Molecular consequence: synonymous variant.
Genome position (GRCh38, 1-based): chr13:38,848,624, C>T. VCF-style: chr13-38848624-C-T. GRCh37 (hg19) VCF-style: chr13-39422761-C-T.
Other names: c.6333C>T (NM_207361.5).
Identifiers: ClinVar variation 498249 (VCV000498249.19), dbSNP rs116763572, ClinGen allele CA6955518.

ClinVar aggregate classification (germline): Conflicting classifications of pathogenicity. Review status: criteria provided, conflicting classifications (1 of 4 stars). 5 submissions from 5 submitters: Uncertain significance (3); Likely benign (1). 1 of the submissions does not count toward it. Last evaluated 2026-01-27.

Conditions:
Fraser syndrome 2 (FRASRS2). Identifiers: MedGen C4540036, MONDO:0054738, OMIM 617666.
Isolated cryptophthalmia. Also called: Cryptophthalmos, unilateral or bilateral, isolated; ANKYLOBLEPHARON, SIMPLE. Identifiers: Orphanet 91396, MedGen C1852453, MONDO:0007410, OMIM 123570.
FREM2-related disorder. Also called: FREM2-related condition.

Allele frequency attached by ClinVar (database versions not stated): ExAC 0.00005; gnomAD exomes 0.00009; gnomAD 0.00010 and 0.00011; TOPMed 0.00011; 1000 Genomes Project 0.00020; 1000 Genomes Project 30x 0.00031.
gnomAD v4.1: 111 of 1,613,942 alleles (0.0069%); highest among the groups gnomAD compares: East Asian, 0.089%; no homozygotes.

Submissions (5):

Labcorp Genetics (formerly Invitae), Labcorp
Classification: Likely benign. Last evaluated: 2026-01-27. Review status: criteria provided, single submitter. Criteria: Invitae Variant Classification Sherloc (09022015). Collection method: clinical testing. Allele origin: germline.

Fulgent Genetics
Classification: Uncertain significance for Isolated cryptophthalmia; Fraser syndrome 2. Last evaluated: 2024-03-08. Review status: criteria provided, single submitter. Criteria: ACMG Guidelines, 2015. Collection method: clinical testing. Allele origin: germline.

Illumina Laboratory Services, Illumina
Classification: Uncertain significance for Fraser syndrome 2. Last evaluated: 2018-01-15. Review status: criteria provided, single submitter. Criteria: ICSL Variant Classification Criteria 13 December 2019. Collection method: clinical testing. Allele origin: germline.

Eurofins Ntd Llc (ga)
Classification: Uncertain significance. Last evaluated: 2016-11-17. Review status: criteria provided, single submitter. Criteria: EGL Classification Definitions 2015. Collection method: clinical testing. Allele origin: germline. Observed: 1 variant allele, 1 heterozygote.

PreventionGenetics, part of Exact Sciences
Classification: Likely benign for FREM2-related condition. Last evaluated: 2019-03-30. Review status: no assertion criteria provided. Collection method: clinical testing. Allele origin: germline. Not counted in ClinVar's aggregate classification.
Comment: This variant is classified as likely benign based on ACMG/AMP sequence variant interpretation guidelines (Richards et al. 2015 PMID: 25741868, with internal and published modifications).